The following is an entry in ClinVar:

NM_000085.5(CLCNKB):c.258G>A (p.Gly86=)

Genes: CLCNKB (chloride voltage-gated channel Kb; plus strand), LOC106501713 (CLCNKB recombination region; plus strand). Cytogenetic location: 1p36.13.
Variant type: single nucleotide variant.
Coding change: c.258G>A on transcript NM_000085.5 (MANE Select); coding-DNA position 258, G replaced by A.
Protein change: p.Gly86=; no amino-acid change (glycine 86 retained).
Molecular consequence: synonymous variant.
Genome position (GRCh38, 1-based): chr1:16,046,563, G>A. VCF-style: chr1-16046563-G-A. GRCh37 (hg19) VCF-style: chr1-16373058-G-A.
Identifiers: ClinVar variation 447102 (VCV000447102.14), dbSNP rs143339401, ClinGen allele CA623248.

ClinVar aggregate classification (germline): Benign/Likely benign. Review status: criteria provided, multiple submitters, no conflicts (2 of 4 stars). 5 submissions from 5 submitters: Benign (1); Likely benign (4). Last evaluated 2026-04-01.

Allele frequency attached by ClinVar (database versions not stated): gnomAD exomes 0.00031 and 0.00073; ExAC 0.00084; gnomAD 0.00276 and 0.00298; TOPMed 0.00318; 1000 Genomes Project 30x 0.00344; 1000 Genomes Project 0.00359; ESP Exome Variant Server 0.00361.
gnomAD v4.1: 912 of 1,614,044 alleles (0.057%); highest among the groups gnomAD compares: African/African-American, 0.92%; 5 homozygotes.

Submissions (5):

CeGaT Center for Human Genetics Tuebingen
Classification: Likely benign. Last evaluated: 2026-04-01. Review status: criteria provided, single submitter. Criteria: CeGaT Center For Human Genetics Tuebingen Variant Classification Criteria Version 2. Collection method: clinical testing. Allele origin: germline. Affected: yes. Observed: 1 variant allele.
Comment: CLCNKB: BP4, BP7

Labcorp Genetics (formerly Invitae), Labcorp
Classification: Benign. Last evaluated: 2026-01-26. Review status: criteria provided, single submitter. Criteria: Invitae Variant Classification Sherloc (09022015). Collection method: clinical testing. Allele origin: germline.

Blueprint Genetics
Classification: Likely benign. Last evaluated: 2024-09-25. Review status: criteria provided, single submitter. Criteria: ACMG Guidelines, 2015. Collection method: clinical testing. Allele origin: germline.

Athena Diagnostics
Classification: Likely benign. Last evaluated: 2017-02-10. Review status: criteria provided, single submitter. Criteria: Athena Diagnostics Criteria. Collection method: clinical testing. Allele origin: germline.

Breakthrough Genomics
Classification: Likely benign. Review status: criteria provided, single submitter. Criteria: ACMG Guidelines, 2015. Collection method: not provided. Allele origin: germline. Inheritance: Autosomal recessive inheritance. Affected: yes.